The following is an entry in ClinVar:

ClinVar aggregate classification (germline): Conflicting classifications of pathogenicity. Review status: criteria provided, conflicting classifications (1 of 4 stars). 4 submissions from 4 submitters: Uncertain significance (3); Likely benign (1). Last evaluated 2026-01-06.

Conditions:
Mucopolysaccharidosis, MPS-II (MPS2). Also called: IDS deficiency; Sulfoiduronate sulfatase deficiency; SIDS deficiency; Mucopolysaccharidosis with skin involvement; Mucopolysaccharidosis type 2; Attenuated MPS (subtype; formerly known as mild MPS II). Identifiers: Orphanet 580, Orphanet 79388, MedGen C0026705, MONDO:0010674, OMIM 309900.

Allele frequency attached by ClinVar (database versions not stated): ExAC 0.00001; gnomAD 0.00005; TOPMed 0.00008; gnomAD exomes 0.00018; ESP Exome Variant Server 0.00019.
gnomAD v4.1: 209 of 1,210,100 alleles (0.017%); highest among the groups gnomAD compares: Non-Finnish European, 0.021%; no homozygotes.

Submissions (4):

Labcorp Genetics (formerly Invitae), Labcorp
Classification: Likely benign for Mucopolysaccharidosis, MPS-II. Last evaluated: 2026-01-06. Review status: criteria provided, single submitter. Criteria: Invitae Variant Classification Sherloc (09022015). Collection method: clinical testing. Allele origin: germline.

Daryl Scott Lab, Baylor College of Medicine
Classification: Uncertain significance for Mucopolysaccharidosis, MPS-II. Last evaluated: 2025-08-25. Review status: criteria provided, single submitter. Criteria: ACMG Guidelines, 2015. Collection method: clinical testing. Allele origin: maternal. Affected: yes. Observed: 1 hemizygote.
Comment: PP3

Women's Health and Genetics/Laboratory Corporation of America, LabCorp
Classification: Uncertain significance. Last evaluated: 2023-03-29. Review status: criteria provided, single submitter. Criteria: LabCorp Variant Classification Summary - May 2015. Collection method: clinical testing. Allele origin: germline.
Comment: Variant summary: IDS c.575C>G (p.Pro192Arg) results in a non-conservative amino acid change located in the Sulfatase, N-terminal (IPR000917) of the encoded protein sequence. Five of five in-silico tools predict a damaging effect of the variant on protein function. The variant allele was found at a frequency of 2.7e-05 in 183401 control chromosomes. The available data on variant occurrences in the general population are insufficient to allow any conclusion about variant significance. To our knowledge, no occurrence of c.575C>G in individuals affected with Mucopolysaccharidosis Type II (Hunter Syndrome) and no experimental evidence demonstrating its impact on protein function have been reported. Two submitters have provided clinical-significance assessments for this variant to ClinVar after 2014 without evidence for independent evaluation. One laboratory classified the variant as likely benign, and one laboratory classified it as uncertain significance. Based on the evidence outlined above, the variant was classified as uncertain significance.

Baylor Genetics
Classification: Uncertain significance for Mucopolysaccharidosis, MPS-II. Last evaluated: 2021-03-25. Review status: criteria provided, single submitter. Criteria: ACMG Guidelines, 2015. Collection method: clinical testing. Allele origin: unknown.

NM_000202.8(IDS):c.575C>G (p.Pro192Arg)

Genes: IDS (iduronate 2-sulfatase; minus strand), LOC106050102 (IDS recombination region; plus strand). Cytogenetic location: Xq28.
Variant type: single nucleotide variant.
Coding change: c.575C>G on transcript NM_000202.8 (MANE Select); coding-DNA position 575, C replaced by G.
Protein change: p.Pro192Arg; replaces proline 192 with arginine.
Molecular consequence: missense variant. On other transcripts: non-coding transcript variant (1).
Genome position (GRCh38, 1-based): chrX:149,498,240, G>C on the plus strand (C>G on the coding strand, the complement: IDS is on the minus strand). VCF-style: chrX-149498240-G-C. GRCh37 (hg19) VCF-style: chrX-148579771-G-C.
Other names: c.305C>G, p.Pro102Arg (NM_001166550.4); c.575C>G, p.Pro192Arg (NM_006123.5); c.575C>G (NM_000202.7); short protein forms P102R, P192R.
Identifiers: ClinVar variation 1915241 (VCV001915241.8), dbSNP rs139495864, ClinGen allele CA10537637.